The following is an entry in ClinVar:

NM_001379500.1(COL18A1):c.651+17C>T

Gene: COL18A1 (collagen type XVIII alpha 1 chain; plus strand). Cytogenetic location: 21q22.3.
Variant type: single nucleotide variant.
Coding change: c.651+17C>T on transcript NM_001379500.1 (MANE Select); 17 bases into the intron after coding-DNA position 651, C replaced by T.
Molecular consequence: intron variant.
Genome position (GRCh38, 1-based): chr21:45,468,803, C>T. VCF-style: chr21-45468803-C-T. GRCh37 (hg19) VCF-style: chr21-46888717-C-T.
Other names: c.1896+17C>T (NM_130444.3); c.1191+17C>T (NM_030582.4).
Identifiers: ClinVar variation 1619483 (VCV001619483.10), dbSNP rs578202936, ClinGen allele CA10065816.

ClinVar aggregate classification (germline): Conflicting classifications of pathogenicity. Review status: criteria provided, conflicting classifications (1 of 4 stars). 3 submissions from 3 submitters: Uncertain significance (1); Likely benign (2). Last evaluated 2025-03-29.

Allele frequency attached by ClinVar (database versions not stated): gnomAD 0.00007; TOPMed 0.00008; ExAC 0.00009; 1000 Genomes Project 30x 0.00016; 1000 Genomes Project 0.00040.
gnomAD v4.1: 60 of 1,205,738 alleles (0.005%); highest among the groups gnomAD compares: African/African-American, 0.022%; no homozygotes.

Submissions (3):

Labcorp Genetics (formerly Invitae), Labcorp
Classification: Likely benign. Last evaluated: 2025-03-29. Review status: criteria provided, single submitter. Criteria: Invitae Variant Classification Sherloc (09022015). Collection method: clinical testing. Allele origin: germline.

Blueprint Genetics
Classification: Likely benign. Last evaluated: 2023-09-19. Review status: criteria provided, single submitter. Criteria: ACMG Guidelines, 2015. Collection method: clinical testing. Allele origin: germline.

Women's Health and Genetics/Laboratory Corporation of America, LabCorp
Classification: Uncertain significance. Last evaluated: 2023-07-14. Review status: criteria provided, single submitter. Criteria: LabCorp Variant Classification Summary - May 2015. Collection method: clinical testing. Allele origin: germline.
Comment: Variant summary: COL18A1 c.651+17C>T alters a nucleotide located close to a canonical splice site and therefore could affect mRNA splicing, leading to a significantly altered protein sequence. 4/4 computational tools predict no significant impact on normal splicing. However, these predictions have yet to be confirmed by functional studies. The variant allele was found at a frequency of 7.5e-05 in 187568 control chromosomes. To our knowledge, no occurrence of c.651+17C>T in individuals affected with Knobloch Syndrome 1 and no experimental evidence demonstrating its impact on protein function have been reported. One submitter has cited clinical-significance assessments for this variant to ClinVar after 2014 and has classified the variant as likely benign. Based on the evidence outlined above, the variant was classified as uncertain significance.